The following is an entry in ClinVar:

ClinVar aggregate classification (germline): Uncertain significance (1 of 4 stars; one submission).

Conditions:
Fanconi anemia complementation group E (FANCE). Also called: FANCE-Related Fanconi Anemia. Identifiers: Orphanet 84, MedGen C3160739, MONDO:0010953, OMIM 600901.

Submission:

Labcorp Genetics (formerly Invitae), Labcorp
Classification: Uncertain significance for Fanconi anemia complementation group E. Last evaluated: 2024-04-24. Review status: criteria provided, single submitter. Criteria: Invitae Variant Classification Sherloc (09022015). Collection method: clinical testing. Allele origin: germline.
Comment: This sequence change replaces serine, which is neutral and polar, with asparagine, which is neutral and polar, at codon 356 of the FANCE protein (p.Ser356Asn). This variant is not present in population databases (gnomAD no frequency). This variant has not been reported in the literature in individuals affected with FANCE-related conditions. Advanced modeling of protein sequence and biophysical properties (such as structural, functional, and spatial information, amino acid conservation, physicochemical variation, residue mobility, and thermodynamic stability) performed at Invitae indicates that this missense variant is expected to disrupt FANCE protein function with a positive predictive value of 80%. In summary, the available evidence is currently insufficient to determine the role of this variant in disease. Therefore, it has been classified as a Variant of Uncertain Significance.

NM_021922.3(FANCE):c.1067G>A (p.Ser356Asn)

Gene: FANCE (FA complementation group E; plus strand). Cytogenetic location: 6p21.31.
Variant type: single nucleotide variant.
Coding change: c.1067G>A on transcript NM_021922.3 (MANE Select); coding-DNA position 1067, G replaced by A.
Protein change: p.Ser356Asn; replaces serine 356 with asparagine.
Molecular consequence: missense variant.
Genome position (GRCh38, 1-based): chr6:35,458,394, G>A. VCF-style: chr6-35458394-G-A. GRCh37 (hg19) VCF-style: chr6-35426171-G-A.
Other names: c.1067G>A, p.Ser356Asn (NM_001410876.1); short protein forms S356N.
Identifiers: ClinVar variation 3650751 (VCV003650751.2).
Genomic context (GRCh38, chr6:35,458,394, plus strand): 5'-TCTCAGACCTCGGTCTCCTGCGGCTCTGCACCTGGCTGCTGGCCCTTTCACCTGATCTCA[G>A]CCTCAGCAATGCTACTGTGCTGACCAGAAGCCTCTTTCTTGGACGGGTAGGTGTATTGGG-3'
Protein context (NP_068741.1, residues 346-366): TWLLALSPDL[Ser356Asn]LSNATVLTRS